The following is an entry in ClinVar:

NM_022436.3(ABCG5):c.182G>A (p.Arg61Gln)

Gene: ABCG5 (ATP binding cassette subfamily G member 5; minus strand). Cytogenetic location: 2p21.
Variant type: single nucleotide variant.
Coding change: c.182G>A on transcript NM_022436.3 (MANE Select); coding-DNA position 182, G replaced by A.
Protein change: p.Arg61Gln; replaces arginine 61 with glutamine.
Molecular consequence: missense variant.
Genome position (GRCh38, 1-based): chr2:43,837,917, C>T on the plus strand (G>A on the coding strand, the complement: ABCG5 is on the minus strand). VCF-style: chr2-43837917-C-T. GRCh37 (hg19) VCF-style: chr2-44065056-C-T.
Other names: short protein forms R61Q.
Identifiers: ClinVar variation 336055 (VCV000336055.15), dbSNP rs149599171, ClinGen allele CA1636752.

ClinVar aggregate classification (germline): Conflicting classifications of pathogenicity. Review status: criteria provided, conflicting classifications (1 of 4 stars). 7 submissions from 7 submitters: Uncertain significance (6); Likely benign (1). Last evaluated 2026-05-01.

Conditions:
Cardiovascular phenotype. Identifiers: MedGen CN230736.
Sitosterolemia 1. Identifiers: MedGen C2749759, MONDO:0020747, OMIM 210250.
Sitosterolemia (STSL). Also called: PHYTOSTEROLEMIA. Identifiers: Orphanet 2882, MedGen C0342907, MONDO:0008863.
ABCG5-related disorder. Also called: ABCG5-related condition.
Sitosterolemia 2. Identifiers: MedGen C5231453, MONDO:0020748, OMIM 618666.

Allele frequency attached by ClinVar (database versions not stated): gnomAD 0.00003; TOPMed 0.00006; ESP Exome Variant Server 0.00008; ExAC 0.00016.
gnomAD v4.1: 141 of 1,613,994 alleles (0.0087%); highest among the groups gnomAD compares: Middle Eastern, 0.016%; no homozygotes.

Submissions (7):

PreventionGenetics, part of Exact Sciences
Classification: Uncertain significance for ABCG5-related condition. Last evaluated: 2026-05-01. Review status: criteria provided, single submitter. Criteria: ACMG Guidelines, 2015. Collection method: clinical testing. Allele origin: germline.
Comment: The ABCG5 c.182G>A variant is predicted to result in the amino acid substitution p.Arg61Gln. To our knowledge, this variant has not been reported in the literature. This variant is reported in 0.039% of alleles in individuals of Ashkenazi Jewish descent in gnomAD. At this time, the clinical significance of this variant is uncertain due to the absence of conclusive functional and genetic evidence.

Revvity Omics, Revvity
Classification: Uncertain significance for Sitosterolemia 2. Last evaluated: 2024-12-21. Review status: criteria provided, single submitter. Criteria: ACMG Guidelines, 2015. Collection method: clinical testing. Allele origin: germline.

Labcorp Genetics (formerly Invitae), Labcorp
Classification: Uncertain significance for Sitosterolemia. Last evaluated: 2024-11-11. Review status: criteria provided, single submitter. Criteria: Invitae Variant Classification Sherloc (09022015). Collection method: clinical testing. Allele origin: germline.
Comment: This sequence change replaces arginine, which is basic and polar, with glutamine, which is neutral and polar, at codon 61 of the ABCG5 protein (p.Arg61Gln). This variant is present in population databases (rs149599171, gnomAD 0.02%). This variant has not been reported in the literature in individuals affected with ABCG5-related conditions. ClinVar contains an entry for this variant (Variation ID: 336055). An algorithm developed to predict the effect of missense changes on protein structure and function outputs the following: PolyPhen-2: "Benign". The glutamine amino acid residue is found in multiple mammalian species, which suggests that this missense change does not adversely affect protein function. In summary, the available evidence is currently insufficient to determine the role of this variant in disease. Therefore, it has been classified as a Variant of Uncertain Significance.

Blueprint Genetics
Classification: Likely benign. Last evaluated: 2024-01-30. Review status: criteria provided, single submitter. Criteria: ACMG Guidelines, 2015. Collection method: clinical testing. Allele origin: germline.

Ambry Genetics
Classification: Uncertain significance for Cardiovascular phenotype. Last evaluated: 2024-01-03. Review status: criteria provided, single submitter. Criteria: Ambry Variant Classification Scheme 2023. Collection method: clinical testing. Allele origin: germline.

GeneDx
Classification: Uncertain significance. Last evaluated: 2020-06-17. Review status: criteria provided, single submitter. Criteria: GeneDx Variant Classification Process June 2021. Collection method: clinical testing. Allele origin: germline. Affected: yes.
Comment: In silico analysis supports that this missense variant does not alter protein structure/function; Has not been previously published as pathogenic or benign to our knowledge

Illumina Laboratory Services, Illumina
Classification: Uncertain significance for Sitosterolemia 1. Last evaluated: 2018-01-13. Review status: criteria provided, single submitter. Criteria: ICSL Variant Classification Criteria 13 December 2019. Collection method: clinical testing. Allele origin: germline.